The following is an entry in ClinVar:

ClinVar aggregate classification (germline): Conflicting classifications of pathogenicity. Review status: criteria provided, conflicting classifications (1 of 4 stars). 2 submissions from 2 submitters: Uncertain significance (1); Likely benign (1). Last evaluated 2023-12-01.

Conditions:
Lethal congenital glycogen storage disease of heart. Also called: PHOSPHORYLASE KINASE DEFICIENCY OF HEART; GLYCOGEN STORAGE DISEASE OF HEART. Identifiers: Orphanet 439854, MedGen C1849813, MONDO:0009867, OMIM 261740.
Hypertrophic cardiomyopathy. Also called: HYPERTROPHIC MYOCARDIOPATHY. Identifiers: Orphanet 217569, MedGen C0007194, MeSH D002312, MONDO:0005045, HP:0001639.

Allele frequency attached by ClinVar (database versions not stated): ExAC 0.00002.
gnomAD v4.1: 2 of 1,613,338 alleles (0.00012%); highest among the groups gnomAD compares: East Asian, 0.0022%; no homozygotes.

Submissions (2):

All of Us Research Program, National Institutes of Health
Classification: Uncertain significance for Hypertrophic cardiomyopathy. Last evaluated: 2023-12-01. Review status: criteria provided, single submitter. Criteria: ACMG Guidelines, 2015. Collection method: clinical testing. Allele origin: germline. Inheritance: Autosomal dominant inheritance. Observed: 1 variant allele, 1 heterozygote.
Comment: This study involves interpretation of variants in research participants for the purpose of population health screening. Participant phenotype was not available at the time of variant classification. Additional details can be found in publication PMID: 35346344, PMCID: PMC8962531

Labcorp Genetics (formerly Invitae), Labcorp
Classification: Likely benign for Lethal congenital glycogen storage disease of heart. Last evaluated: 2022-06-13. Review status: criteria provided, single submitter. Criteria: Invitae Variant Classification Sherloc (09022015). Collection method: clinical testing. Allele origin: germline.

NM_016203.4(PRKAG2):c.253C>A (p.Pro85Thr)

Gene: PRKAG2 (protein kinase AMP-activated non-catalytic subunit gamma 2; minus strand). Cytogenetic location: 7q36.1.
Variant type: single nucleotide variant.
Coding change: c.253C>A on transcript NM_016203.4 (MANE Select); coding-DNA position 253, C replaced by A.
Protein change: p.Pro85Thr; replaces proline 85 with threonine.
Molecular consequence: missense variant.
Genome position (GRCh38, 1-based): chr7:151,781,365, G>T on the plus strand (C>A on the coding strand, the complement: PRKAG2 is on the minus strand). VCF-style: chr7-151781365-G-T. GRCh37 (hg19) VCF-style: chr7-151478451-G-T.
Other names: c.121C>A, p.Pro41Thr (NM_001040633.2, NM_001407024.1, NM_001407026.1 and 2 more transcripts); c.253C>A, p.Pro85Thr (NM_001407021.1, NM_001407022.1, NM_001407023.1 and 2 more transcripts); short protein forms P41T, P85T.
Identifiers: ClinVar variation 2109189 (VCV002109189.5), dbSNP rs754570613, ClinGen allele CA056601.